The following is an entry in ClinVar:

NM_001278116.2(L1CAM):c.997_999del (p.Pro333del)

Gene: L1CAM (L1 cell adhesion molecule; minus strand). Cytogenetic location: Xq28.
Variant type: Deletion.
Coding change: c.997_999del on transcript NM_001278116.2 (MANE Select); coding-DNA positions 997 to 999, 3 bases deleted (CCG; older notation c.997_999delCCG).
Protein change: p.Pro333del; deletes proline 333.
Molecular consequence: inframe deletion.
Genome position (GRCh38, 1-based): chrX:153,869,927-153,869,929, CGG deleted on the plus strand (CCG on the coding strand, the reverse complement: L1CAM is on the minus strand). VCF-style (leftmost placement, unchanged base first): chrX-153869926-ACGG-A. GRCh37 (hg19) VCF-style: chrX-153135381-ACGG-A.
Other names: c.997_999del, p.Pro333del (NM_000425.5, NM_024003.3); c.982_984del, p.Pro328del (NM_001143963.2); short protein forms P333del, P328del.
Identifiers: ClinVar variation 4993582 (VCV004993582.1).

ClinVar aggregate classification (germline): Uncertain significance (1 of 4 stars; one submission).

Conditions:
L1CAM-related disorder. Also called: L1CAM-related condition.

Submission:

PreventionGenetics, part of Exact Sciences
Classification: Uncertain significance for L1CAM-related condition. Last evaluated: 2026-04-22. Review status: criteria provided, single submitter. Criteria: ACMG Guidelines, 2015. Collection method: clinical testing. Allele origin: germline.
Comment: The L1CAM c.997_999delCCG variant is predicted to result in an in-frame deletion (p.Pro333del). To our knowledge, this variant has not been reported in the literature or in a large population database (gnomAD), indicating this variant is rare. At this time, the clinical significance of this variant is uncertain due to the absence of conclusive functional and genetic evidence.